The following is an entry in ClinVar:

NM_000377.3(WAS):c.1062A>C (p.Pro354=)

Gene: WAS (WASP actin nucleation promoting factor; plus strand). Cytogenetic location: Xp11.23.
Variant type: single nucleotide variant.
Coding change: c.1062A>C on transcript NM_000377.3 (MANE Select); coding-DNA position 1062, A replaced by C.
Protein change: p.Pro354=; no amino-acid change (proline 354 retained).
Molecular consequence: synonymous variant.
Genome position (GRCh38, 1-based): chrX:48,688,790, A>C. VCF-style: chrX-48688790-A-C. GRCh37 (hg19) VCF-style: chrX-48547179-A-C.
Identifiers: ClinVar variation 2929561 (VCV002929561.17), dbSNP rs1602179326, ClinGen allele CA516356354.

ClinVar aggregate classification (germline): Likely benign. Review status: criteria provided, multiple submitters, no conflicts (2 of 4 stars). 2 submissions from 2 submitters: Likely benign (2). Last evaluated 2024-10-01.

Conditions:
Thrombocytopenia 1. Also called: X-linked thrombocytopenia with normal platelets; THROMBOCYTOPENIA, X-LINKED, 1; X-Linked Thrombocytopenia (XLT). Identifiers: Orphanet 268322, Orphanet 852, MedGen C1839163, MONDO:0010743, OMIM 313900.
Wiskott-Aldrich syndrome (WAS). Also called: ALDRICH SYNDROME; IMMUNODEFICIENCY 2; WISKOTT-ALDRICH SYNDROME 1; Wiskott-aldrich syndrome, somatic. Identifiers: Orphanet 906, MedGen C0043194, MONDO:0010518, OMIM 301000.
X-linked severe congenital neutropenia (SCNX). Identifiers: Orphanet 86788, MedGen C1845987, MONDO:0010294, OMIM 300299.

Submissions (2):

CeGaT Center for Human Genetics Tuebingen
Classification: Likely benign. Last evaluated: 2024-10-01. Review status: criteria provided, single submitter. Criteria: CeGaT Center For Human Genetics Tuebingen Variant Classification Criteria Version 2. Collection method: clinical testing. Allele origin: germline. Affected: yes. Observed: 1 variant allele.
Comment: WAS: BP4, BP7

Labcorp Genetics (formerly Invitae), Labcorp
Classification: Likely benign for Wiskott-Aldrich syndrome; X-linked severe congenital neutropenia; Thrombocytopenia 1. Last evaluated: 2023-12-13. Review status: criteria provided, single submitter. Criteria: Invitae Variant Classification Sherloc (09022015). Collection method: clinical testing. Allele origin: germline.